The following is an entry in ClinVar:

NM_001089.3(ABCA3):c.4141_4142del (p.Leu1381fs)

Gene: ABCA3 (ATP binding cassette subfamily A member 3; minus strand). Cytogenetic location: 16p13.3.
Variant type: Microsatellite.
Coding change: c.4141_4142del on transcript NM_001089.3 (MANE Select); coding-DNA positions 4141 to 4142, 2 bases deleted (CT; older notation c.4141_4142delCT).
Protein change: p.Leu1381fs; shifts the reading frame from leucine 1381.
Molecular consequence: frameshift variant.
Genome position (GRCh38, 1-based): chr16:2,281,403-2,281,404, AG deleted on the plus strand (CT on the coding strand, the reverse complement: ABCA3 is on the minus strand); deleting any 2 consecutive bases within chr16:2,281,403-2,281,406 gives the same sequence; the c. name uses the placement nearest the transcript's 3' end. VCF-style (leftmost placement, unchanged base first): chr16-2281402-CAG-C. GRCh37 (hg19) VCF-style: chr16-2331403-CAG-C.
Other names: c.4141_4142delCT (NM_001089.3); short protein forms L1381fs.
Identifiers: ClinVar variation 1331730 (VCV001331730.3), dbSNP rs2093654880, ClinGen allele CA2202147723.
Genomic context (GRCh38, chr16:2,281,402, plus strand): 5'-AGCTGGCAGGAAGGACTCCACCCCAAATTGCAAGGGTACCTTGGAGAGCTCCTTGATAAT[CAG>C]AGGTGTGTGGAGCAGGGAGTCCGGACTGGGGGCCAGGATGCGGGTCCTCTCGTCCGCTAC-3'

ClinVar aggregate classification (germline): Pathogenic. Review status: criteria provided, multiple submitters, no conflicts (2 of 4 stars). 2 submissions from 2 submitters: Pathogenic (2). Last evaluated 2021-12-06.

Conditions:
Hereditary pulmonary alveolar proteinosis. Also called: Pulmonary surfactant metabolism dysfunction. Identifiers: Orphanet 264675, MedGen C3711368, MONDO:0012580.
Interstitial lung disease due to ABCA3 deficiency. Also called: PULMONARY ALVEOLAR PROTEINOSIS, CONGENITAL, 3. Identifiers: Orphanet 440402, MedGen C1970456, MONDO:0012582, OMIM 610921.

Submissions (2):

Johns Hopkins Genomics, Johns Hopkins University
Classification: Pathogenic for Interstitial lung disease due to ABCA3 deficiency. Last evaluated: 2021-12-06. Review status: criteria provided, single submitter. Criteria: ACMG Guidelines, 2015. Collection method: clinical testing. Allele origin: germline.

Ambry Genetics
Classification: Pathogenic for Hereditary pulmonary alveolar proteinosis. Last evaluated: 2017-07-01. Review status: criteria provided, single submitter. Criteria: Ambry Variant Classification Scheme 2023. Collection method: clinical testing. Allele origin: germline.
Comment: The c.4141_4142delCT pathogenic mutation, located in coding exon 24 of the ABCA3 gene, results from a deletion of two nucleotides at nucleotide positions 4141 to 4142, causing a translational frameshift with a predicted alternate stop codon (p.L1381Dfs*69). This alteration is expected to result in loss of function by premature protein truncation or nonsense-mediated mRNA decay. As such, this alteration is interpreted as a disease-causing mutation.